The following is an entry in ClinVar:

ClinVar aggregate classification (germline): Benign (0 of 4 stars; one submission).

Conditions:
PPP2R3A-related disorder. Also called: PPP2R3A-related condition.

Allele frequency attached by ClinVar (database versions not stated): gnomAD exomes 0.00050; ExAC 0.00145; gnomAD 0.00484; 1000 Genomes Project 30x 0.00547; TOPMed 0.00549; ESP Exome Variant Server 0.00554; 1000 Genomes Project 0.00579.
gnomAD v4.1: 1,473 of 1,602,964 alleles (0.092%); highest among the groups gnomAD compares: African/African-American, 1.8%; 12 homozygotes.

Submission:

PreventionGenetics, part of Exact Sciences
Classification: Benign for PPP2R3A-related condition. Last evaluated: 2019-09-18. Review status: no assertion criteria provided. Collection method: clinical testing. Allele origin: germline.
Comment: This variant is classified as benign based on ACMG/AMP sequence variant interpretation guidelines (Richards et al. 2015 PMID: 25741868, with internal and published modifications).

NM_002718.5(PPP2R3A):c.2682C>T (p.Tyr894=)

Gene: PPP2R3A (protein phosphatase 2 regulatory subunit B''alpha; plus strand). Cytogenetic location: 3q22.3.
Variant type: single nucleotide variant.
Coding change: c.2682C>T on transcript NM_002718.5 (MANE Select); coding-DNA position 2682, C replaced by T.
Protein change: p.Tyr894=; no amino-acid change (tyrosine 894 retained).
Molecular consequence: synonymous variant.
Genome position (GRCh38, 1-based): chr3:136,082,315, C>T. VCF-style: chr3-136082315-C-T. GRCh37 (hg19) VCF-style: chr3-135801157-C-T.
Other names: c.474C>T, p.Tyr158= (NM_001190447.2); c.819C>T, p.Tyr273= (NM_181897.3).
Identifiers: ClinVar variation 3039101 (VCV003039101.2), dbSNP rs72985424, ClinGen allele CA2630943.